The following is an entry in ClinVar:

NM_145698.5(ACBD5):c.394A>G (p.Met132Val)

Gene: ACBD5 (acyl-CoA binding domain containing 5; minus strand). Cytogenetic location: 10p12.1.
Variant type: single nucleotide variant.
Coding change: c.394A>G on transcript NM_145698.5 (MANE Select); coding-DNA position 394, A replaced by G.
Protein change: p.Met132Val; replaces methionine 132 with valine.
Molecular consequence: missense variant.
Genome position (GRCh38, 1-based): chr10:27,223,434, T>C on the plus strand (A>G on the coding strand, the complement: ACBD5 is on the minus strand). VCF-style: chr10-27223434-T-C. GRCh37 (hg19) VCF-style: chr10-27512363-T-C.
Other names: c.394A>G, p.Met132Val (NM_001352569.1, NM_001352570.1, NM_001352573.1 and 2 more transcripts); c.289A>G, p.Met97Val (NM_001042473.4, NM_001352574.2, NM_001352575.2 and 6 more transcripts); c.388A>G, p.Met130Val (NM_001271512.3, NM_001352571.1, NM_001352586.1 and 1 more transcripts); c.67A>G, p.Met23Val (NM_001301251.2, NM_001301252.2, NM_001301253.2 and 4 more transcripts); c.415A>G, p.Met139Val (NM_001352568.1, NM_001352572.1); short protein forms M132V, M139V, M23V, M97V, M130V.
Identifiers: ClinVar variation 1468503 (VCV001468503.4), dbSNP rs766653974, ClinGen allele CA5450963.

ClinVar aggregate classification (germline): Uncertain significance (1 of 4 stars; one submission).

Allele frequency attached by ClinVar (database versions not stated): gnomAD exomes below 0.00001 and 0.00001; ExAC 0.00001; TOPMed 0.00001.

Submission:

Labcorp Genetics (formerly Invitae), Labcorp
Classification: Uncertain significance. Last evaluated: 2022-07-19. Review status: criteria provided, single submitter. Criteria: Invitae Variant Classification Sherloc (09022015). Collection method: clinical testing. Allele origin: germline.
Comment: In summary, the available evidence is currently insufficient to determine the role of this variant in disease. Therefore, it has been classified as a Variant of Uncertain Significance. Algorithms developed to predict the effect of sequence changes on RNA splicing suggest that this variant may create or strengthen a splice site. Algorithms developed to predict the effect of missense changes on protein structure and function output the following: SIFT: "Tolerated"; PolyPhen-2: "Benign"; Align-GVGD: "Class C0". The valine amino acid residue is found in multiple mammalian species, which suggests that this missense change does not adversely affect protein function. ClinVar contains an entry for this variant (Variation ID: 1468503). This variant has not been reported in the literature in individuals affected with ACBD5-related conditions. This variant is present in population databases (rs766653974, gnomAD 0.002%). This sequence change replaces methionine, which is neutral and non-polar, with valine, which is neutral and non-polar, at codon 132 of the ACBD5 protein (p.Met132Val).